The following is an entry in ClinVar:

ClinVar aggregate classification (germline): Uncertain significance (1 of 4 stars; one submission).

Submission:

Labcorp Genetics (formerly Invitae), Labcorp
Classification: Uncertain significance. Last evaluated: 2023-11-13. Review status: criteria provided, single submitter. Criteria: Invitae Variant Classification Sherloc (09022015). Collection method: clinical testing. Allele origin: germline.
Comment: This sequence change falls in intron 2 of the PDE6H gene. It does not directly change the encoded amino acid sequence of the PDE6H protein. It affects a nucleotide within the consensus splice site. This variant is not present in population databases (gnomAD no frequency). This variant has not been reported in the literature in individuals affected with PDE6H-related conditions. ClinVar contains an entry for this variant (Variation ID: 1393447). Variants that disrupt the consensus splice site are a relatively common cause of aberrant splicing (PMID: 17576681, 9536098). Algorithms developed to predict the effect of sequence changes on RNA splicing suggest that this variant is not likely to affect RNA splicing. In summary, the available evidence is currently insufficient to determine the role of this variant in disease. Therefore, it has been classified as a Variant of Uncertain Significance.

Literature cited by the submitters: PubMed 17576681; PubMed 9536098.

NM_006205.3(PDE6H):c.134+6A>G

Gene: PDE6H (phosphodiesterase 6H; plus strand). Cytogenetic location: 12p12.3.
Variant type: single nucleotide variant.
Coding change: c.134+6A>G on transcript NM_006205.3 (MANE Select); 6 bases into the intron after coding-DNA position 134, A replaced by G.
Molecular consequence: intron variant.
Genome position (GRCh38, 1-based): chr12:14,978,152, A>G. VCF-style: chr12-14978152-A-G. GRCh37 (hg19) VCF-style: chr12-15131086-A-G.
Identifiers: ClinVar variation 1393447 (VCV001393447.6), dbSNP rs2120827071, ClinGen allele CA2508771327.